The following is an entry in ClinVar:

NM_002691.4(POLD1):c.992G>A (p.Arg331Gln)

Gene: POLD1 (DNA polymerase delta 1, catalytic subunit; plus strand). Cytogenetic location: 19q13.33.
Variant type: single nucleotide variant.
Coding change: c.992G>A on transcript NM_002691.4 (MANE Select); coding-DNA position 992, G replaced by A.
Protein change: p.Arg331Gln; replaces arginine 331 with glutamine.
Molecular consequence: missense variant. On other transcripts: non-coding transcript variant (1).
Genome position (GRCh38, 1-based): chr19:50,403,074, G>A. VCF-style: chr19-50403074-G-A. GRCh37 (hg19) VCF-style: chr19-50906331-G-A.
Other names: c.992G>A, p.Arg331Gln (NM_001256849.1, NM_001308632.1); short protein forms R331Q.
Identifiers: ClinVar variation 408013 (VCV000408013.23), dbSNP rs371120096, ClinGen allele CA9595999.

ClinVar aggregate classification (germline): Conflicting classifications of pathogenicity. Review status: criteria provided, conflicting classifications (1 of 4 stars). 6 submissions from 6 submitters: Uncertain significance (5); Likely benign (1). Last evaluated 2026-01-27.

Conditions:
POLD1-related polyposis and colorectal cancer syndrome (CRCS10). Also called: Colorectal cancer, susceptibility to, 10; Colorectal cancer 10; COLORECTAL CANCER, SUSCEPTIBILITY TO, ON CHROMOSOME 19q. Identifiers: Orphanet 220460, MedGen C2675481, MONDO:0012953, OMIM 612591.
Immunodeficiency 120. Identifiers: MedGen C5935622, MONDO:0970994, OMIM 620836.
Mandibular hypoplasia-deafness-progeroid syndrome. Also called: Mandibular hypoplasia, deafness, progeroid features, and lipodystrophy syndrome. Identifiers: Orphanet 363649, MedGen C3715192, MONDO:0014157, OMIM 615381.
Hereditary cancer-predisposing syndrome. Also called: Neoplastic Syndromes, Hereditary; Hereditary neoplastic syndrome; Hereditary Cancer Syndrome; Tumor predisposition. Identifiers: Orphanet 140162, MedGen C0027672, MeSH D009386, MONDO:0015356.

Allele frequency attached by ClinVar (database versions not stated): gnomAD 0.00001; gnomAD exomes 0.00001 and 0.00002; TOPMed 0.00002; ESP Exome Variant Server 0.00008; ExAC 0.00014.
gnomAD v4.1: 21 of 1,562,324 alleles (0.0013%); highest among the groups gnomAD compares: South Asian, 0.0082%; no homozygotes.

Submissions (6):

Labcorp Genetics (formerly Invitae), Labcorp
Classification: Uncertain significance for POLD1-related polyposis and colorectal cancer syndrome. Last evaluated: 2026-01-27. Review status: criteria provided, single submitter. Criteria: Invitae Variant Classification Sherloc (09022015). Collection method: clinical testing. Allele origin: germline.
Comment: This sequence change replaces arginine, which is basic and polar, with glutamine, which is neutral and polar, at codon 331 of the POLD1 protein (p.Arg331Gln). The frequency data for this variant in the population databases is considered unreliable, as metrics indicate poor data quality at this position in the gnomAD database. This variant has not been reported in the literature in individuals affected with POLD1-related conditions. ClinVar contains an entry for this variant (Variation ID: 408013). Invitae Evidence Modeling of protein sequence and biophysical properties (such as structural, functional, and spatial information, amino acid conservation, physicochemical variation, residue mobility, and thermodynamic stability) indicates that this missense variant is not expected to disrupt POLD1 protein function with a negative predictive value of 80%. In summary, the available evidence is currently insufficient to determine the role of this variant in disease. Therefore, it has been classified as a Variant of Uncertain Significance.

Ambry Genetics
Classification: Likely benign for Hereditary cancer-predisposing syndrome. Last evaluated: 2025-02-27. Review status: criteria provided, single submitter. Criteria: Ambry Variant Classification Scheme 2023. Collection method: clinical testing. Allele origin: germline.

Fulgent Genetics
Classification: Uncertain significance for POLD1-related polyposis and colorectal cancer syndrome; Mandibular hypoplasia-deafness-progeroid syndrome; Immunodeficiency 120. Last evaluated: 2024-05-02. Review status: criteria provided, single submitter. Criteria: ACMG Guidelines, 2015. Collection method: clinical testing. Allele origin: germline.

GeneDx
Classification: Uncertain significance. Last evaluated: 2024-03-18. Review status: criteria provided, single submitter. Criteria: GeneDx Variant Classification Process June 2021. Collection method: clinical testing. Allele origin: germline. Affected: yes.
Comment: Not observed at significant frequency in large population cohorts (gnomAD); In silico analysis supports that this missense variant does not alter protein structure/function; Has not been previously published as pathogenic or benign to our knowledge; This variant is associated with the following publications: (PMID: 20951805)

Baylor Genetics
Classification: Uncertain significance for POLD1-related polyposis and colorectal cancer syndrome. Last evaluated: 2024-02-19. Review status: criteria provided, single submitter. Criteria: ACMG Guidelines, 2015. Collection method: clinical testing. Allele origin: unknown.

Sema4
Classification: Uncertain significance for Hereditary cancer-predisposing syndrome. Last evaluated: 2021-12-23. Review status: criteria provided, single submitter. Criteria: Sema4 Curation Guidelines. Collection method: curation. Allele origin: germline.
Comment: To the best of our knowledge, the POLD1 c.992G>A (p.R331Q) variant has not been reported in individuals with POLD1-related disease. This variant was observed in 3/23750 chromosomes in the South Asian population according to the Genome Aggregation Database (PMID: 32461654), and has been reported in ClinVar (Variation ID: 408013). In silico tools suggest the impact of the variant on protein function is benign, though these predictions have not been confirmed by functional studies. Based on the current evidence available, this variant is interpreted as a variant of uncertain significance.